The following is an entry in ClinVar:

NM_000400.4(ERCC2):c.323C>T (p.Ala108Val)

Gene: ERCC2 (ERCC excision repair 2, TFIIH core complex helicase subunit; minus strand). Cytogenetic location: 19q13.32.
Variant type: single nucleotide variant.
Coding change: c.323C>T on transcript NM_000400.4 (MANE Select); coding-DNA position 323, C replaced by T.
Protein change: p.Ala108Val; replaces alanine 108 with valine.
Molecular consequence: missense variant.
Genome position (GRCh38, 1-based): chr19:45,368,667, G>A on the plus strand (C>T on the coding strand, the complement: ERCC2 is on the minus strand). VCF-style: chr19-45368667-G-A. GRCh37 (hg19) VCF-style: chr19-45871925-G-A.
Other names: c.251C>T, p.Ala84Val (NM_001130867.2); short protein forms A108V, A84V.
Identifiers: ClinVar variation 3231692 (VCV003231692.1), dbSNP rs1972507290, ClinGen allele CA406378189.
Genomic context (GRCh38, chr19:45,368,667, plus strand): 5'-AAGGAGAAGGAACAGGTGCTCACCTCAGGGTGAATACACAAGTTTTTGCGGGAGCTCAGA[G>A]CCAGTCCCAGAAACGGCAGCTTCTCGCCCTCCTGCTTCTCATAGAAGTTGAGCAACTTTC-3'
Protein context (NP_000391.1, residues 98-118): EGEKLPFLGL[Ala108Val]LSSRKNLCIH

ClinVar aggregate classification (germline): Uncertain significance (1 of 4 stars; one submission).

Conditions:
Inborn genetic diseases. Identifiers: MedGen C0950123, MeSH D030342.

Allele frequency attached by ClinVar (database versions not stated): TOPMed below 0.00001; gnomAD 0.00001.
gnomAD v4.1: 1 of 1,614,000 alleles (0.000062%); highest among the groups gnomAD compares: Non-Finnish European, 0.000085%; no homozygotes.

Submission:

Ambry Genetics
Classification: Uncertain significance for Inborn genetic diseases. Last evaluated: 2023-09-21. Review status: criteria provided, single submitter. Criteria: Ambry Variant Classification Scheme 2023. Collection method: clinical testing. Allele origin: germline.
Comment: The p.A108V variant (also known as c.323C>T), located in coding exon 5 of the ERCC2 gene, results from a C to T substitution at nucleotide position 323. The alanine at codon 108 is replaced by valine, an amino acid with similar properties. This amino acid position is conserved. In addition, the in silico prediction for this alteration is inconclusive. Since supporting evidence is limited at this time, the clinical significance of this alteration remains unclear.